The following is an entry in ClinVar:

NM_000448.3(RAG1):c.2880A>G (p.Ala960=)

Gene: RAG1 (recombination activating 1; plus strand). Cytogenetic location: 11p12.
Variant type: single nucleotide variant.
Coding change: c.2880A>G on transcript NM_000448.3 (MANE Select); coding-DNA position 2880, A replaced by G.
Protein change: p.Ala960=; no amino-acid change (alanine 960 retained).
Molecular consequence: synonymous variant.
Genome position (GRCh38, 1-based): chr11:36,576,184, A>G. VCF-style: chr11-36576184-A-G. GRCh37 (hg19) VCF-style: chr11-36597734-A-G.
Other names: p.Ala960=; c.2880A>G, p.Ala960= (NM_001377277.1, NM_001377278.1, NM_001377279.1 and 1 more transcripts).
Identifiers: ClinVar variation 256190 (VCV000256190.35), dbSNP rs1980131, ClinGen allele CA5950333.

ClinVar aggregate classification (germline): Benign/Likely benign. Review status: criteria provided, multiple submitters, no conflicts (2 of 4 stars). 9 submissions from 8 submitters: Benign (8); Likely benign (1). Last evaluated 2026-02-04.

Conditions:
Combined immunodeficiency with skin granulomas. Identifiers: Orphanet 157949, MedGen C2673536, MONDO:0009306, OMIM 233650.
Severe combined immunodeficiency, autosomal recessive, T cell-negative, B cell-negative, NK cell-positive. Also called: Severe combined immunodeficiency due to complete RAG1/2 deficiency; SCID, T CELL-NEGATIVE, B CELL-NEGATIVE, NK CELL-POSITIVE; SCID, AR, T-cell negative, B-cell negative, NK cell-positive. Identifiers: Orphanet 331206, MedGen C1832322, MONDO:0011086, OMIM 601457.
Histiocytic medullary reticulosis. Also called: SEVERE COMBINED IMMUNODEFICIENCY WITH HYPEREOSINOPHILIA; Omenn syndrome. Identifiers: Orphanet 39041, MedGen C2700553, MONDO:0011338, OMIM 603554.

Allele frequency attached by ClinVar (database versions not stated): 1000 Genomes Project 30x 0.06152; 1000 Genomes Project 0.06250; gnomAD exomes 0.06537 and 0.07333; ExAC 0.06782; gnomAD 0.07459 and 0.07643; TOPMed 0.07543; ESP Exome Variant Server 0.07854.
gnomAD v4.1: 118,899 of 1,614,052 alleles (7.4%); highest among the groups gnomAD compares: Middle Eastern, 9.9%; 4,600 homozygotes.

Submissions (9):

Labcorp Genetics (formerly Invitae), Labcorp
Classification: Benign for Combined immunodeficiency with skin granulomas; Severe combined immunodeficiency, autosomal recessive, T cell-negative, B cell-negative, NK cell-positive. Last evaluated: 2026-02-04. Review status: criteria provided, single submitter. Criteria: Invitae Variant Classification Sherloc (09022015). Collection method: clinical testing. Allele origin: germline.

ARUP Laboratories, Molecular Genetics and Genomics, ARUP Laboratories
Classification: Benign. Last evaluated: 2025-07-02. Review status: criteria provided, single submitter. Criteria: ARUP Molecular Germline Variant Investigation Process 2024. Collection method: clinical testing. Allele origin: germline.

Blueprint Genetics
Classification: Likely benign. Last evaluated: 2024-11-27. Review status: criteria provided, single submitter. Criteria: ACMG Guidelines, 2015. Collection method: clinical testing. Allele origin: germline.

Mayo Clinic Laboratories, Mayo Clinic
Classification: Benign. Last evaluated: 2018-08-24. Review status: criteria provided, single submitter. Criteria: ACMG Guidelines, 2015. Collection method: clinical testing. Allele origin: germline. Observed: 66 variant alleles.

Illumina Laboratory Services, Illumina
Classification: Benign for Severe combined immunodeficiency, autosomal recessive, T cell-negative, B cell-negative, NK cell-positive. Last evaluated: 2018-01-13. Review status: criteria provided, single submitter. Criteria: ICSL Variant Classification Criteria 13 December 2019. Collection method: clinical testing. Allele origin: germline.
Comment: This variant was observed in the ICSL laboratory as part of a predisposition screen in an ostensibly healthy population. It had not been previously curated by ICSL or reported in the Human Gene Mutation Database (HGMD: prior to June 1st, 2018), and was therefore a candidate for classification through an automated scoring system. Utilizing variant allele frequency, disease prevalence and penetrance estimates, and inheritance mode, an automated score was calculated to assess if this variant is too frequent to cause the disease. Based on the score and internal cut-off values, a variant classified as benign is not then subjected to further curation. The score for this variant resulted in a classification of benign for this disease.

Illumina Laboratory Services, Illumina
Classification: Benign for Histiocytic medullary reticulosis. Last evaluated: 2018-01-13. Review status: criteria provided, single submitter. Criteria: ICSL Variant Classification Criteria 13 December 2019. Collection method: clinical testing. Allele origin: germline.
Comment: the same text as in the submission from Illumina Laboratory Services, Illumina above.

GeneDx
Classification: Benign. Last evaluated: 2015-03-03. Review status: criteria provided, single submitter. Criteria: GeneDx Variant Classification Process June 2021. Collection method: clinical testing. Allele origin: germline. Affected: yes.

Breakthrough Genomics
Classification: Benign. Review status: criteria provided, single submitter. Criteria: ACMG Guidelines, 2015. Collection method: not provided. Allele origin: germline. Inheritance: Autosomal recessive inheritance. Affected: yes.

PreventionGenetics, part of Exact Sciences
Classification: Benign. Review status: criteria provided, single submitter. Criteria: ACMG Guidelines, 2015. Collection method: clinical testing. Allele origin: germline.